The following is an entry in ClinVar:

NC_000013.11:g.113153944C>A

Genes: F10 (coagulation factor X; plus strand), F10-AS2 (F10 antisense RNA 2; minus strand). Cytogenetic location: 13q34.
Variant type: single nucleotide variant.
Genome position: GRCh38 VCF-style: chr13-113153944-C-A. GRCh37 (hg19) VCF-style: chr13-113808258-C-A.
Identifiers: ClinVar variation 2643982 (VCV002643982.24), dbSNP rs548284949, ClinGen allele CA256479628.
Genomic context (GRCh38, chr13:113,153,944, plus strand): 5'-TTTTTAAAACCCAGATCACAAATCCTGAACATAGGGCCTGAAAGGCGAATTCAGCCACCA[C>A]GGAGGACTCCCGCACCGTGGAGCCGGGACGCAGGGACTCCATGCTGCGCGGAGGGCAGGG-3'

ClinVar aggregate classification (germline): Likely benign (1 of 4 stars; one submission).

Allele frequency attached by ClinVar (database versions not stated): 1000 Genomes Project 0.00260; 1000 Genomes Project 30x 0.00344; TOPMed 0.00689; gnomAD 0.00775.

Submission:

CeGaT Center for Human Genetics Tuebingen
Classification: Likely benign. Last evaluated: 2022-11-01. Review status: criteria provided, single submitter. Criteria: CeGaT Center For Human Genetics Tuebingen Variant Classification Criteria Version 2. Collection method: clinical testing. Allele origin: germline. Affected: yes. Observed: 1 variant allele.
Comment: F10: BS2